The following is an entry in ClinVar:

NM_004304.5(ALK):c.979G>T (p.Ala327Ser)

Gene: ALK (ALK receptor tyrosine kinase; minus strand). Cytogenetic location: 2p23.2.
Variant type: single nucleotide variant.
Coding change: c.979G>T on transcript NM_004304.5 (MANE Select); coding-DNA position 979, G replaced by T.
Protein change: p.Ala327Ser; replaces alanine 327 with serine.
Molecular consequence: missense variant.
Genome position (GRCh38, 1-based): chr2:29,532,090, C>A on the plus strand (G>T on the coding strand, the complement: ALK is on the minus strand). VCF-style: chr2-29532090-C-A. GRCh37 (hg19) VCF-style: chr2-29754956-C-A.
Other names: short protein forms A327S.
Identifiers: ClinVar variation 3722337 (VCV003722337.2).
Genomic context (GRCh38, chr2:29,532,090, plus strand): 5'-GTGTGCAGTGCTCACTGCTGCTCCTCATCCACGGACTCAGGATGGTGTGCTTGGAGTCAG[C>A]TGAGGTGTTGAGAAGGAGAAAGGAGCCTGGAAAGAGACAGGGAAAACGAATCTGCAGATG-3'
Protein context (NP_004295.2, residues 317-337): RGSFLLLNTS[Ala327Ser]DSKHTILSPW

ClinVar aggregate classification (germline): Uncertain significance (1 of 4 stars; one submission).

Conditions:
Neuroblastoma, susceptibility to, 3. Also called: ALK-Related Neuroblastic Tumor Susceptibility. Identifiers: Orphanet 635, MedGen C2751681, MONDO:0013083, OMIM 613014.

Submission:

Labcorp Genetics (formerly Invitae), Labcorp
Classification: Uncertain significance for Neuroblastoma, susceptibility to, 3. Last evaluated: 2024-10-06. Review status: criteria provided, single submitter. Criteria: Invitae Variant Classification Sherloc (09022015). Collection method: clinical testing. Allele origin: germline.
Comment: This sequence change replaces alanine, which is neutral and non-polar, with serine, which is neutral and polar, at codon 327 of the ALK protein (p.Ala327Ser). This variant is not present in population databases (gnomAD no frequency). This variant has not been reported in the literature in individuals affected with ALK-related conditions. An algorithm developed to predict the effect of missense changes on protein structure and function (PolyPhen-2) suggests that this variant is likely to be tolerated. In summary, the available evidence is currently insufficient to determine the role of this variant in disease. Therefore, it has been classified as a Variant of Uncertain Significance.